The following is an entry in ClinVar:

NM_033004.4(NLRP1):c.3797T>C (p.Leu1266Pro)

Gene: NLRP1 (NLR family pyrin domain containing 1; minus strand). Cytogenetic location: 17p13.2.
Variant type: single nucleotide variant.
Coding change: c.3797T>C on transcript NM_033004.4 (MANE Select); coding-DNA position 3797, T replaced by C.
Protein change: p.Leu1266Pro; replaces leucine 1266 with proline.
Molecular consequence: missense variant. On other transcripts: intron variant (2).
Genome position (GRCh38, 1-based): chr17:5,520,999, A>G on the plus strand (T>C on the coding strand, the complement: NLRP1 is on the minus strand). VCF-style: chr17-5520999-A-G. GRCh37 (hg19) VCF-style: chr17-5424319-A-G.
Other names: c.3809T>C, p.Leu1270Pro (NM_001033053.3); c.3707T>C, p.Leu1236Pro (NM_033006.4); c.3693+525T>C (NM_033007.4); c.3783+525T>C (NM_014922.5); short protein forms L1236P, L1266P, L1270P.
Identifiers: ClinVar variation 3616940 (VCV003616940.2).

ClinVar aggregate classification (germline): Uncertain significance (1 of 4 stars; one submission).

gnomAD v4.1: 1 of 1,609,838 alleles (0.000062%); highest among the groups gnomAD compares: Non-Finnish European, 0.000085%; no homozygotes.

Submission:

Labcorp Genetics (formerly Invitae), Labcorp
Classification: Uncertain significance. Last evaluated: 2024-12-07. Review status: criteria provided, single submitter. Criteria: Invitae Variant Classification Sherloc (09022015). Collection method: clinical testing. Allele origin: germline.
Comment: This sequence change replaces leucine, which is neutral and non-polar, with proline, which is neutral and non-polar, at codon 1266 of the NLRP1 protein (p.Leu1266Pro). This variant is not present in population databases (gnomAD no frequency). This variant has not been reported in the literature in individuals affected with NLRP1-related conditions. An algorithm developed to predict the effect of missense changes on protein structure and function (PolyPhen-2) suggests that this variant is likely to be tolerated. In summary, the available evidence is currently insufficient to determine the role of this variant in disease. Therefore, it has been classified as a Variant of Uncertain Significance.